The following is an entry in ClinVar:

ClinVar aggregate classification (germline): Uncertain significance (1 of 4 stars; one submission).

Allele frequency attached by ClinVar (database versions not stated): gnomAD exomes 0.00001; TOPMed below 0.00001.
gnomAD v4.1: 16 of 1,211,716 alleles (0.0013%); highest among the groups gnomAD compares: South Asian, 0.0053%; no homozygotes.

Submission:

Labcorp Genetics (formerly Invitae), Labcorp
Classification: Uncertain significance. Last evaluated: 2025-09-21. Review status: criteria provided, single submitter. Criteria: Invitae Variant Classification Sherloc (09022015). Collection method: clinical testing. Allele origin: germline.
Comment: This sequence change replaces valine, which is neutral and non-polar, with methionine, which is neutral and non-polar, at codon 235 of the ATP6AP1 protein (p.Val235Met). This variant is present in population databases (no rsID available, gnomAD 0.004%). This variant has not been reported in the literature in individuals affected with ATP6AP1-related conditions. ClinVar contains an entry for this variant (Variation ID: 1951461). Invitae Evidence Modeling of protein sequence and biophysical properties (such as structural, functional, and spatial information, amino acid conservation, physicochemical variation, residue mobility, and thermodynamic stability) indicates that this missense variant is not expected to disrupt ATP6AP1 protein function with a negative predictive value of 80%. In summary, the available evidence is currently insufficient to determine the role of this variant in disease. Therefore, it has been classified as a Variant of Uncertain Significance.

NM_001183.6(ATP6AP1):c.703G>A (p.Val235Met)

Gene: ATP6AP1 (ATPase H+ transporting accessory protein 1; plus strand). Cytogenetic location: Xq28.
Variant type: single nucleotide variant.
Coding change: c.703G>A on transcript NM_001183.6 (MANE Select); coding-DNA position 703, G replaced by A.
Protein change: p.Val235Met; replaces valine 235 with methionine.
Molecular consequence: missense variant.
Genome position (GRCh38, 1-based): chrX:154,434,226, G>A. VCF-style: chrX-154434226-G-A. GRCh37 (hg19) VCF-style: chrX-153662572-G-A.
Other names: short protein forms V235M.
Identifiers: ClinVar variation 1951461 (VCV001951461.5), dbSNP rs990581002, ClinGen allele CA337294678.